The following is an entry in ClinVar:

ClinVar aggregate classification (germline): Benign. Review status: criteria provided, multiple submitters, no conflicts (2 of 4 stars). 3 submissions from 3 submitters: Benign (3). Last evaluated 2021-05-05.

Allele frequency attached by ClinVar (database versions not stated): 1000 Genomes Project 30x 0.01983; TOPMed 0.02011; 1000 Genomes Project 0.02077; gnomAD exomes 0.02255 and 0.02708; ESP Exome Variant Server 0.02276; ExAC 0.03343.
gnomAD v4.1: 36,554 of 1,609,400 alleles (2.3%); highest among the groups gnomAD compares: Middle Eastern, 8.6%; 706 homozygotes.

Submissions (3):

GeneDx
Classification: Benign. Last evaluated: 2021-05-05. Review status: criteria provided, single submitter. Criteria: GeneDx Variant Classification Process June 2021. Collection method: clinical testing. Allele origin: germline. Affected: yes.

Laboratory for Molecular Medicine, Mass General Brigham Personalized Medicine
Classification: Benign. Last evaluated: 2016-03-29. Review status: criteria provided, single submitter. Criteria: LMM Criteria. Collection method: clinical testing. Allele origin: germline.
Comment: Variant identified in a genome or exome case(s) and assessed due to predicted null impact of the variant or pathogenic assertions in the literature or databases. Disclaimer: This variant has not undergone full assessment. The following are preliminary notes: Frequency

Breakthrough Genomics
Classification: Benign. Review status: criteria provided, single submitter. Criteria: ACMG Guidelines, 2015. Collection method: not provided. Allele origin: germline. Inheritance: Autosomal recessive inheritance. Affected: yes.

NM_024867.4(SPEF2):c.1983T>C (p.Asn661=)

Gene: SPEF2 (sperm flagellar 2; plus strand). Cytogenetic location: 5p13.2.
Variant type: single nucleotide variant.
Coding change: c.1983T>C on transcript NM_024867.4 (MANE Select); coding-DNA position 1983, T replaced by C.
Protein change: p.Asn661=; no amino-acid change (asparagine 661 retained).
Molecular consequence: synonymous variant.
Genome position (GRCh38, 1-based): chr5:35,695,742, T>C. VCF-style: chr5-35695742-T-C. GRCh37 (hg19) VCF-style: chr5-35695844-T-C.
Identifiers: ClinVar variation 403476 (VCV000403476.8), dbSNP rs78576797, ClinGen allele CA3230660.
Genomic context (GRCh38, chr5:35,695,742, plus strand): 5'-GTTGTTAGGTGTAAATACCAGAAATTTGTTCTTACCACTTTTCCTATTGCTAGGTGCTAA[T>C]GCTGATAAAACACCAAAAGCTGAAGAAGTCAAATCAAGTGATAGTTTCTTAAAAGTAAGT-3'
Protein context (NP_079143.3, residues 651-671): ETEGETMLSA[Asn661=]ADKTPKAEEV